The following is an entry in ClinVar:

ClinVar aggregate classification (germline): Pathogenic (1 of 4 stars; one submission).

Conditions:
Ataxia-telangiectasia syndrome (AT). Also called: ATAXIA-TELANGIECTASIA, FRESNO VARIANT; Ataxia-telangiectasia, complementation group E; Ataxia telangiectasia (A-T); LOUIS-BAR SYNDROME; Ataxia-telangiectasia, complementation group D; AT, COMPLEMENTATION GROUP C. Identifiers: Orphanet 100, MedGen C0004135, MONDO:0008840, OMIM 208900.

Submission:

Labcorp Genetics (formerly Invitae), Labcorp
Classification: Pathogenic for Ataxia-telangiectasia syndrome. Last evaluated: 2019-10-12. Review status: criteria provided, single submitter. Criteria: Invitae Variant Classification Sherloc (09022015). Collection method: clinical testing. Allele origin: germline.
Comment: This variant is not present in population databases (ExAC no frequency). For these reasons, this variant has been classified as Pathogenic. Loss-of-function variants in ATM are known to be pathogenic (PMID: 23807571, 25614872). This variant has not been reported in the literature in individuals with ATM-related conditions. This sequence change creates a premature translational stop signal (p.Arg1262Glufs*7) in the ATM gene. It is expected to result in an absent or disrupted protein product.

Literature cited by the submitters: PubMed 23807571; PubMed 25614872.

NM_000051.4(ATM):c.3783del (p.Arg1262fs)

Gene: ATM (ATM serine/threonine kinase; plus strand). Cytogenetic location: 11q22.3.
Variant type: Deletion.
Coding change: c.3783del on transcript NM_000051.4 (MANE Select); coding-DNA position 3783, one base deleted (T; older notation c.3783delT).
Protein change: p.Arg1262fs; shifts the reading frame from arginine 1262.
Molecular consequence: frameshift variant.
Genome position (GRCh38, 1-based): chr11:108,284,263, T deleted; the last of 2 consecutive T bases (chr11:108,284,262-108,284,263); deleting either gives the same sequence. VCF-style (leftmost placement, unchanged base first): chr11-108284261-AT-A. GRCh37 (hg19) VCF-style: chr11-108154988-AT-A.
Other names: c.3783del, p.Arg1262fs (NM_001351834.2); short protein forms R1262fs.
Identifiers: ClinVar variation 968575 (VCV000968575.7), dbSNP rs2082375533, ClinGen allele CA1139662232.